The following is an entry in ClinVar:

ClinVar aggregate classification (germline): Uncertain significance. Review status: criteria provided, multiple submitters, no conflicts (2 of 4 stars). 2 submissions from 2 submitters: Uncertain significance (2). Last evaluated 2024-03-11.

Conditions:
Hereditary cancer-predisposing syndrome. Also called: Tumor predisposition; Neoplastic Syndromes, Hereditary; Hereditary Cancer Syndrome; Hereditary neoplastic syndrome. Identifiers: Orphanet 140162, MedGen C0027672, MeSH D009386, MONDO:0015356.
Ataxia-telangiectasia syndrome (AT). Also called: ATAXIA-TELANGIECTASIA, COMPLEMENTATION GROUP A; ATAXIA-TELANGIECTASIA, FRESNO VARIANT; Ataxia-telangiectasia; Ataxia-telangiectasia, complementation group D; AT, COMPLEMENTATION GROUP C; Ataxia-telangiectasia, complementation group E. Identifiers: Orphanet 100, MedGen C0004135, MONDO:0008840, OMIM 208900.

Submissions (2):

Labcorp Genetics (formerly Invitae), Labcorp
Classification: Uncertain significance for Ataxia-telangiectasia syndrome. Last evaluated: 2024-03-11. Review status: criteria provided, single submitter. Criteria: Invitae Variant Classification Sherloc (09022015). Collection method: clinical testing. Allele origin: germline.
Comment: This sequence change replaces glutamine, which is neutral and polar, with histidine, which is basic and polar, at codon 2206 of the ATM protein (p.Gln2206His). This variant is not present in population databases (gnomAD no frequency). This variant has not been reported in the literature in individuals affected with ATM-related conditions. ClinVar contains an entry for this variant (Variation ID: 856295). An algorithm developed to predict the effect of missense changes on protein structure and function (PolyPhen-2) suggests that this variant is likely to be tolerated. In summary, the available evidence is currently insufficient to determine the role of this variant in disease. Therefore, it has been classified as a Variant of Uncertain Significance.

Ambry Genetics
Classification: Uncertain significance for Hereditary cancer-predisposing syndrome. Last evaluated: 2022-04-20. Review status: criteria provided, single submitter. Criteria: Ambry Variant Classification Scheme 2023. Collection method: clinical testing. Allele origin: germline.
Comment: The p.Q2206H variant (also known as c.6618G>C), located in coding exon 45 of the ATM gene, results from a G to C substitution at nucleotide position 6618. The glutamine at codon 2206 is replaced by histidine, an amino acid with highly similar properties. This alteration has been reported in a control population of Japanese men without a personal or family history of cancer (Momozawa Y et al. Nat Commun, 2018 10;9:4083). This amino acid position is not well conserved in available vertebrate species. In addition, this alteration is predicted to be tolerated by in silico analysis. Since supporting evidence is limited at this time, the clinical significance of this alteration remains unclear.

Literature cited by the submitters: PubMed 30287823 (cited by Ambry Genetics).

NM_000051.4(ATM):c.6618G>C (p.Gln2206His)

Genes: ATM (ATM serine/threonine kinase; plus strand), C11orf65 (chromosome 11 open reading frame 65; minus strand). Cytogenetic location: 11q22.3.
Variant type: single nucleotide variant.
Coding change: c.6618G>C on transcript NM_000051.4 (MANE Select); coding-DNA position 6618, G replaced by C.
Protein change: p.Gln2206His; replaces glutamine 2206 with histidine.
Molecular consequence: missense variant. On other transcripts: intron variant (2).
Genome position (GRCh38, 1-based): chr11:108,325,355, G>C. VCF-style: chr11-108325355-G-C. GRCh37 (hg19) VCF-style: chr11-108196082-G-C.
Other names: c.6618G>C, p.Gln2206His (NM_001351834.2); c.641-16284C>G (NM_001330368.2); c.*38+9865C>G (NM_001351110.2); short protein forms Q2206H.
Identifiers: ClinVar variation 856295 (VCV000856295.12), dbSNP rs2085555121, ClinGen allele CA382554742.
Genomic context (GRCh38, chr11:108,325,355, plus strand): 5'-TGTCGTGGCATTCAGATCAGTCACACATAGACAACTCTCTGAAGTATATATTAAGTGGCA[G>C]AAACACTCCCAGCTTCTCAAGGACAGTGATTTTAGTTTTCAGGAGCCTATCATGGCTCTA-3'
Protein context (NP_000042.3, residues 2196-2216): RQLSEVYIKW[Gln2206His]KHSQLLKDSD